The following is an entry in ClinVar:

ClinVar aggregate classification (germline): Uncertain significance (1 of 4 stars; one submission).

Submission:

Labcorp Genetics (formerly Invitae), Labcorp
Classification: Uncertain significance. Last evaluated: 2023-01-13. Review status: criteria provided, single submitter. Criteria: Invitae Variant Classification Sherloc (09022015). Collection method: clinical testing. Allele origin: germline.
Comment: This sequence change replaces serine, which is neutral and polar, with arginine, which is basic and polar, at codon 278 of the FLI1 protein (p.Ser278Arg). This variant is not present in population databases (gnomAD no frequency). This variant has not been reported in the literature in individuals affected with FLI1-related conditions. Advanced modeling of protein sequence and biophysical properties (such as structural, functional, and spatial information, amino acid conservation, physicochemical variation, residue mobility, and thermodynamic stability) performed at Invitae indicates that this missense variant is not expected to disrupt FLI1 protein function. Algorithms developed to predict the effect of sequence changes on RNA splicing suggest that this variant may create or strengthen a splice site. In summary, the available evidence is currently insufficient to determine the role of this variant in disease. Therefore, it has been classified as a Variant of Uncertain Significance.

NM_002017.5(FLI1):c.834C>A (p.Ser278Arg)

Gene: FLI1 (Fli-1 proto-oncogene, ETS transcription factor; plus strand). Cytogenetic location: 11q24.3.
Variant type: single nucleotide variant.
Coding change: c.834C>A on transcript NM_002017.5 (MANE Select); coding-DNA position 834, C replaced by A.
Protein change: p.Ser278Arg; replaces serine 278 with arginine.
Molecular consequence: missense variant.
Genome position (GRCh38, 1-based): chr11:128,810,463, C>A. VCF-style: chr11-128810463-C-A. GRCh37 (hg19) VCF-style: chr11-128680358-C-A.
Other names: c.255C>A, p.Ser85Arg (NM_001271012.2); c.735C>A, p.Ser245Arg (NM_001167681.3); c.636C>A, p.Ser212Arg (NM_001271010.2); short protein forms S212R, S278R, S245R, S85R.
Identifiers: ClinVar variation 2828283 (VCV002828283.3), dbSNP rs375151134, ClinGen allele CA383238423.